The following is an entry in ClinVar:

ClinVar aggregate classification (germline): Likely pathogenic (1 of 4 stars; one submission).

Conditions:
LZTR1-related disorder. Also called: LZTR1-related disorders; LZTR1-related condition.

Submission:

PreventionGenetics, part of Exact Sciences
Classification: Likely pathogenic for LZTR1-related condition. Last evaluated: 2023-08-08. Review status: criteria provided, single submitter. Criteria: ACMG Guidelines, 2015. Collection method: clinical testing. Allele origin: germline.
Comment: The LZTR1 c.2325+1_2325+3delinsTTG variant is predicted to result in an in-frame deletion and insertion. To our knowledge, this variant has not been reported in the literature or in a large population database, indicating this variant is rare. Variants that disrupt the consensus splice donor site in LZTR1 are expected to be pathogenic. Additionally, variants affecting this splice site have been reported in cases of autosomal recessive Noonan syndrome (Johnston et al. 2018. PubMed ID: 29469822). This variant is interpreted as likely pathogenic for autosomal recessive Noonan syndrome and autosomal dominant susceptibility to the development of schwannomatosis. However, in relation to autosomal dominant Noonan syndrome this variant is of uncertain significance.

NM_006767.4(LZTR1):c.2325+1_2325+3delinsTTG

Gene: LZTR1 (leucine zipper like post translational regulator 1; plus strand). Cytogenetic location: 22q11.21.
Variant type: Indel.
Coding change: c.2325+1_2325+3delinsTTG on transcript NM_006767.4 (MANE Select); the canonical splice donor site of the intron after coding-DNA position 2325 through 3 bases into the intron after coding-DNA position 2325, GTA replaced by TTG.
Molecular consequence: splice donor variant.
Genome position (GRCh38, 1-based): chr22:20,996,802-20,996,804, GTA replaced by TTG. VCF-style: chr22-20996802-GTA-TTG. GRCh37 (hg19) VCF-style: chr22-21351091-GTA-TTG.
Identifiers: ClinVar variation 2631166 (VCV002631166.1), dbSNP rs2518625857, ClinGen allele CA2695200077.